The following is an entry in ClinVar:

NM_030665.4(RAI1):c.4312G>A (p.Gly1438Arg)

Gene: RAI1 (retinoic acid induced 1; plus strand). Cytogenetic location: 17p11.2.
Variant type: single nucleotide variant.
Coding change: c.4312G>A on transcript NM_030665.4 (MANE Select); coding-DNA position 4312, G replaced by A.
Protein change: p.Gly1438Arg; replaces glycine 1438 with arginine.
Molecular consequence: missense variant.
Genome position (GRCh38, 1-based): chr17:17,797,260, G>A. VCF-style: chr17-17797260-G-A. GRCh37 (hg19) VCF-style: chr17-17700574-G-A.
Other names: c.4312G>A (NM_030665.3); short protein forms G1438R.
Identifiers: ClinVar variation 2782924 (VCV002782924.4), dbSNP rs769075860, ClinGen allele CA288371101.

ClinVar aggregate classification (germline): Uncertain significance. Review status: criteria provided, multiple submitters, no conflicts (2 of 4 stars). 2 submissions from 2 submitters: Uncertain significance (2). Last evaluated 2025-03-25.

Conditions:
RAI1-related disorder. Also called: RAI1-related condition.

Allele frequency attached by ClinVar (database versions not stated): gnomAD 0.00003.

Submissions (2):

PreventionGenetics, part of Exact Sciences
Classification: Uncertain significance for RAI1-related condition. Last evaluated: 2025-03-25. Review status: criteria provided, single submitter. Criteria: ACMG Guidelines, 2015. Collection method: clinical testing. Allele origin: germline.
Comment: The RAI1 c.4312G>A variant is predicted to result in the amino acid substitution p.Gly1438Arg. To our knowledge, this variant has not been reported in the literature. This variant is reported in 0.023% of alleles in individuals of African descent in gnomAD, which may be too common to be a primary cause of disease. Although we suspect that this variant may be benign, at this time, the clinical significance of this variant is uncertain due to the absence of conclusive functional and genetic evidence.

Labcorp Genetics (formerly Invitae), Labcorp
Classification: Uncertain significance. Last evaluated: 2023-03-03. Review status: criteria provided, single submitter. Criteria: Invitae Variant Classification Sherloc (09022015). Collection method: clinical testing. Allele origin: germline.
Comment: In summary, the available evidence is currently insufficient to determine the role of this variant in disease. Therefore, it has been classified as a Variant of Uncertain Significance. Advanced modeling of protein sequence and biophysical properties (such as structural, functional, and spatial information, amino acid conservation, physicochemical variation, residue mobility, and thermodynamic stability) performed at Invitae indicates that this missense variant is not expected to disrupt RAI1 protein function. This variant has not been reported in the literature in individuals affected with RAI1-related conditions. This variant is present in population databases (no rsID available, gnomAD 0.02%). This sequence change replaces glycine, which is neutral and non-polar, with arginine, which is basic and polar, at codon 1438 of the RAI1 protein (p.Gly1438Arg).